The following is an entry in ClinVar:

ClinVar aggregate classification (germline): Likely benign. Review status: criteria provided, multiple submitters, no conflicts (2 of 4 stars). 2 submissions from 2 submitters: Likely benign (2). Last evaluated 2026-01-06.

Conditions:
Retinitis pigmentosa 20 (RP20). Identifiers: Orphanet 791, MedGen C3151086, MONDO:0013425, OMIM 613794.
Leber congenital amaurosis 2 (LCA2). Also called: AMAUROSIS CONGENITA OF LEBER II; Autosomal Recessive RPE65-Related Retinal Degeneration. Identifiers: Orphanet 65, MedGen C1859844, MONDO:0008765, OMIM 204100. Disease mechanism: loss of function.
RPE65-related disorder. Also called: RPE65-related condition; RPE65-related disorders. Identifiers: MedGen CN239301.

Allele frequency attached by ClinVar (database versions not stated): ExAC 0.00001.

Submissions (2):

PreventionGenetics, part of Exact Sciences
Classification: Likely benign for RPE65-related condition. Last evaluated: 2026-01-06. Review status: criteria provided, single submitter. Criteria: ACMG Guidelines, 2015. Collection method: clinical testing. Allele origin: germline.
Comment: This variant is classified as likely benign based on ACMG/AMP sequence variant interpretation guidelines (Richards et al. 2015 PMID: 25741868, with internal and published modifications).

Labcorp Genetics (formerly Invitae), Labcorp
Classification: Likely benign for Leber congenital amaurosis 2; Retinitis pigmentosa 20. Last evaluated: 2025-07-29. Review status: criteria provided, single submitter. Criteria: Invitae Variant Classification Sherloc (09022015). Collection method: clinical testing. Allele origin: germline.

NM_000329.3(RPE65):c.1524G>A (p.Lys508=)

Gene: RPE65 (retinoid isomerohydrolase RPE65; minus strand). Cytogenetic location: 1p31.3.
Variant type: single nucleotide variant.
Coding change: c.1524G>A on transcript NM_000329.3 (MANE Select); coding-DNA position 1524, G replaced by A.
Protein change: p.Lys508=; no amino-acid change (lysine 508 retained).
Molecular consequence: synonymous variant.
Genome position (GRCh38, 1-based): chr1:68,429,854, C>T on the plus strand (G>A on the coding strand, the complement: RPE65 is on the minus strand). VCF-style: chr1-68429854-C-T. GRCh37 (hg19) VCF-style: chr1-68895537-C-T.
Other names: c.1524G>A (NM_000329.2).
Identifiers: ClinVar variation 1482021 (VCV001482021.7), dbSNP rs369335287, ClinGen allele CA902137.